The following is an entry in ClinVar:

ClinVar aggregate classification (germline): Uncertain significance. Review status: criteria provided, multiple submitters, no conflicts (2 of 4 stars). 2 submissions from 2 submitters: Uncertain significance (2). Last evaluated 2025-03-09.

Conditions:
Hereditary cancer-predisposing syndrome. Also called: Neoplastic Syndromes, Hereditary; Tumor predisposition; Hereditary Cancer Syndrome; Hereditary neoplastic syndrome. Identifiers: Orphanet 140162, MedGen C0027672, MeSH D009386, MONDO:0015356.

Allele frequency attached by ClinVar (database versions not stated): gnomAD exomes below 0.00001.
gnomAD v4.1: 2 of 1,614,244 alleles (0.00012%); highest among the groups gnomAD compares: Non-Finnish European, 0.00017%; no homozygotes.

Submissions (2):

Labcorp Genetics (formerly Invitae), Labcorp
Classification: Uncertain significance. Last evaluated: 2025-03-09. Review status: criteria provided, single submitter. Criteria: Invitae Variant Classification Sherloc (09022015). Collection method: clinical testing. Allele origin: germline.
Comment: This sequence change replaces arginine, which is basic and polar, with serine, which is neutral and polar, at codon 211 of the CTNNA1 protein (p.Arg211Ser). This variant is not present in population databases (gnomAD no frequency). This variant has not been reported in the literature in individuals affected with CTNNA1-related conditions. ClinVar contains an entry for this variant (Variation ID: 1752936). Invitae Evidence Modeling of protein sequence and biophysical properties (such as structural, functional, and spatial information, amino acid conservation, physicochemical variation, residue mobility, and thermodynamic stability) indicates that this missense variant is expected to disrupt CTNNA1 protein function with a positive predictive value of 80%. In summary, the available evidence is currently insufficient to determine the role of this variant in disease. Therefore, it has been classified as a Variant of Uncertain Significance.

Ambry Genetics
Classification: Uncertain significance for Hereditary cancer-predisposing syndrome. Last evaluated: 2023-12-07. Review status: criteria provided, single submitter. Criteria: Ambry Variant Classification Scheme 2023. Collection method: clinical testing. Allele origin: germline.
Comment: The p.R211S variant (also known as c.633A>T), located in coding exon 5 of the CTNNA1 gene, results from an A to T substitution at nucleotide position 633. The arginine at codon 211 is replaced by serine, an amino acid with dissimilar properties. This amino acid position is conserved. In addition, this alteration is predicted to be deleterious by in silico analysis. The evidence for this gene-disease relationship is limited; therefore, the clinical significance of this alteration is unclear.

NM_001903.5(CTNNA1):c.633A>T (p.Arg211Ser)

Gene: CTNNA1 (catenin alpha 1; plus strand). Cytogenetic location: 5q31.2.
Variant type: single nucleotide variant.
Coding change: c.633A>T on transcript NM_001903.5 (MANE Select); coding-DNA position 633, A replaced by T.
Protein change: p.Arg211Ser; replaces arginine 211 with serine.
Molecular consequence: missense variant.
Genome position (GRCh38, 1-based): chr5:138,824,574, A>T. VCF-style: chr5-138824574-A-T. GRCh37 (hg19) VCF-style: chr5-138160263-A-T.
Other names: c.633A>T, p.Arg211Ser (NM_001290307.3, NM_001323982.2, NM_001323983.1 and 3 more transcripts); c.324A>T, p.Arg108Ser (NM_001290309.3); c.264A>T, p.Arg88Ser (NM_001290310.3); short protein forms R108S, R211S, R88S.
Identifiers: ClinVar variation 1752936 (VCV001752936.7), dbSNP rs2149775636, ClinGen allele CA361129523.